The following is an entry in ClinVar:

NM_001312909.2(FAM111A):c.986T>G (p.Leu329Trp)

Genes: FAM111A (FAM111 trypsin like peptidase A; plus strand), LOC130005740 (ATAC-STARR-seq lymphoblastoid active region 4748; plus strand). Cytogenetic location: 11q12.1.
Variant type: single nucleotide variant.
Coding change: c.986T>G on transcript NM_001312909.2 (MANE Select); coding-DNA position 986, T replaced by G.
Protein change: p.Leu329Trp; replaces leucine 329 with tryptophan.
Molecular consequence: missense variant.
Genome position (GRCh38, 1-based): chr11:59,152,654, T>G. VCF-style: chr11-59152654-T-G. GRCh37 (hg19) VCF-style: chr11-58920127-T-G.
Other names: c.986T>G, p.Leu329Trp (NM_001142519.3, NM_001142520.3, NM_001142521.3 and 29 more transcripts); short protein forms L329W.
Identifiers: ClinVar variation 4745341 (VCV004745341.1).

ClinVar aggregate classification (germline): Uncertain significance (1 of 4 stars; one submission).

Submission:

Labcorp Genetics (formerly Invitae), Labcorp
Classification: Uncertain significance. Last evaluated: 2025-05-03. Review status: criteria provided, single submitter. Criteria: Invitae Variant Classification Sherloc (09022015). Collection method: clinical testing. Allele origin: germline.
Comment: This sequence change replaces leucine, which is neutral and non-polar, with tryptophan, which is neutral and slightly polar, at codon 329 of the FAM111A protein (p.Leu329Trp). This variant is not present in population databases (gnomAD no frequency). This variant has not been reported in the literature in individuals affected with FAM111A-related conditions. Invitae Evidence Modeling of protein sequence and biophysical properties (such as structural, functional, and spatial information, amino acid conservation, physicochemical variation, residue mobility, and thermodynamic stability) indicates that this missense variant is not expected to disrupt FAM111A protein function with a negative predictive value of 80%. In summary, the available evidence is currently insufficient to determine the role of this variant in disease. Therefore, it has been classified as a Variant of Uncertain Significance.